The following is an entry in ClinVar:

NM_015978.3(TNNI3K):c.2071C>T (p.Pro691Ser)

Genes: FPGT-TNNI3K (FPGT-TNNI3K readthrough; plus strand), TNNI3K (TNNI3 interacting kinase; plus strand). Cytogenetic location: 1p31.1.
Variant type: single nucleotide variant.
Coding change: c.2071C>T on transcript NM_015978.3 (MANE Select); coding-DNA position 2071, C replaced by T.
Protein change: p.Pro691Ser; replaces proline 691 with serine.
Molecular consequence: missense variant.
Genome position (GRCh38, 1-based): chr1:74,463,500, C>T. VCF-style: chr1-74463500-C-T. GRCh37 (hg19) VCF-style: chr1-74929184-C-T.
Other names: c.2374C>T, p.Pro792Ser (NM_001112808.3, NM_001199327.2); c.2071C>T (NM_015978.2); short protein forms P691S, P792S.
Identifiers: ClinVar variation 1912072 (VCV001912072.6), dbSNP rs750999277, ClinGen allele CA909583.
Genomic context (GRCh38, chr1:74,463,500, plus strand): 5'-GCGGCTGCGGCAGCAGACATGGCTTACCACCACATCAGACCTCCCATTGGCTATTCCATT[C>T]CCAAGCCCATATCATCTCTGCTGATACGAGGGTGGAACGCATGTCCTGAAGTGAGTAATT-3'
Protein context (NP_057062.1, residues 681-701): HIRPPIGYSI[Pro691Ser]KPISSLLIRG

ClinVar aggregate classification (germline): Uncertain significance. Review status: criteria provided, multiple submitters, no conflicts (2 of 4 stars). 2 submissions from 2 submitters: Uncertain significance (2). Last evaluated 2025-12-21.

Conditions:
Inborn genetic diseases. Identifiers: MedGen C0950123, MeSH D030342.

Allele frequency attached by ClinVar (database versions not stated): gnomAD 0.00001; ExAC 0.00002; TOPMed 0.00003.
gnomAD v4.1: 33 of 1,614,198 alleles (0.002%); highest among the groups gnomAD compares: East Asian, 0.018%; no homozygotes.

Submissions (2):

Labcorp Genetics (formerly Invitae), Labcorp
Classification: Uncertain significance. Last evaluated: 2025-12-21. Review status: criteria provided, single submitter. Criteria: Invitae Variant Classification Sherloc (09022015). Collection method: clinical testing. Allele origin: germline.
Comment: This sequence change replaces proline, which is neutral and non-polar, with serine, which is neutral and polar, at codon 691 of the TNNI3K protein (p.Pro691Ser). This variant is present in population databases (rs750999277, gnomAD 0.02%). This missense change has been observed in individual(s) with clinical features of cardiac conduction disease with or without dilated cardiomyopathy (internal data). ClinVar contains an entry for this variant (Variation ID: 1912072). Invitae Evidence Modeling of protein sequence and biophysical properties (such as structural, functional, and spatial information, amino acid conservation, physicochemical variation, residue mobility, and thermodynamic stability) indicates that this missense variant is not expected to disrupt TNNI3K protein function with a negative predictive value of 80%. In summary, the available evidence is currently insufficient to determine the role of this variant in disease. Therefore, it has been classified as a Variant of Uncertain Significance.

Ambry Genetics
Classification: Uncertain significance for Inborn genetic diseases. Last evaluated: 2025-11-20. Review status: criteria provided, single submitter. Criteria: Ambry Variant Classification Scheme 2023. Collection method: clinical testing. Allele origin: germline.